The following is an entry in ClinVar:

ClinVar aggregate classification (germline): Pathogenic. Review status: criteria provided, multiple submitters, no conflicts (2 of 4 stars). 2 submissions from 2 submitters: Pathogenic (2). Last evaluated 2020-01-16.

Conditions:
Renal cysts and diabetes syndrome (RCAD). Also called: MATURITY-ONSET DIABETES OF THE YOUNG, TYPE 5; Familial hypoplastic, glomerulocystic kidney. Identifiers: Orphanet 93111, MedGen C0431693, MONDO:0007669, OMIM 137920.

Submissions (2):

GeneDx
Classification: Pathogenic. Last evaluated: 2020-01-16. Review status: criteria provided, single submitter. Criteria: GeneDx Variant Classification Process June 2021. Collection method: clinical testing. Allele origin: germline. Affected: yes.
Comment: Nonsense variant predicted to result in protein truncation or nonsense mediated decay in a gene for which loss-of-function is a known mechanism of disease; Not observed in large population cohorts (Lek et al., 2016); This variant is associated with the following publications: (PMID: 20378641, 25700310, 25536396, 30666461)

Institute of Human Genetics, FAU Erlangen, Friedrich-Alexander-Universität Erlangen-Nürnberg
Classification: Pathogenic for Renal cysts and diabetes syndrome. Last evaluated: 2019-07-06. Review status: criteria provided, single submitter. Criteria: ACMG Guidelines, 2015. Collection method: literature only. Allele origin: germline. Affected: yes.
Comment: This variant and it's classification has been reported by Vasileiou et al. 2019; DOI:10.1101/576918. The variants has previously been reported in PMID:25700310; PMID:20378641; PMID:25536396 as "c.513G->A,p.Trp171X" with clinical significance Pathogenic. It has been re-classified using InterVar and manual curation as Pathogenic based on PVS1 PM2 PP3.

Literature cited by the submitters: PubMed 25700310 (cited by Institute of Human Genetics, FAU Erlangen, Friedrich-Alexander-Universität Erlangen-Nürnberg); PubMed 20378641 (cited by Institute of Human Genetics, FAU Erlangen, Friedrich-Alexander-Universität Erlangen-Nürnberg); PubMed 25536396 (cited by Institute of Human Genetics, FAU Erlangen, Friedrich-Alexander-Universität Erlangen-Nürnberg); DOI 10.1101/576918 (cited by Institute of Human Genetics, FAU Erlangen, Friedrich-Alexander-Universität Erlangen-Nürnberg).

NM_000458.4(HNF1B):c.513G>A (p.Trp171Ter)

Gene: HNF1B (HNF1 homeobox B; minus strand). Cytogenetic location: 17q12.
Variant type: single nucleotide variant.
Coding change: c.513G>A on transcript NM_000458.4 (MANE Select); coding-DNA position 513, G replaced by A.
Protein change: p.Trp171Ter; replaces tryptophan 171 with a stop codon.
Molecular consequence: nonsense.
Genome position (GRCh38, 1-based): chr17:37,739,471, C>T on the plus strand (G>A on the coding strand, the complement: HNF1B is on the minus strand). VCF-style: chr17-37739471-C-T. GRCh37 (hg19) VCF-style: chr17-36099462-C-T.
Other names: c.513G>A, p.Trp171Ter (NM_001165923.4, NM_001304286.2); short protein forms W171*.
Identifiers: ClinVar variation 620126 (VCV000620126.4), dbSNP rs1568670533, ClinGen allele CA398751161.